The following is an entry in ClinVar:

ClinVar aggregate classification (germline): Uncertain significance (1 of 4 stars; one submission).

gnomAD v4.1: 1 of 1,613,998 alleles (0.000062%); highest among the groups gnomAD compares: Non-Finnish European, 0.000085%; no homozygotes.

Submission:

GeneDx
Classification: Uncertain significance. Last evaluated: 2024-08-16. Review status: criteria provided, single submitter. Criteria: GeneDx Variant Classification Process June 2021. Collection method: clinical testing. Allele origin: germline. Affected: yes.
Comment: Not observed at significant frequency in large population cohorts (gnomAD); Nonsense variant predicted to result in protein truncation as the last 13 amino acids are lost, although loss-of-function variants have not been reported downstream of this position in the protein; Has not been previously published as pathogenic or benign to our knowledge

NM_001242896.3(DEPDC5):c.4772G>A (p.Trp1591Ter)

Gene: DEPDC5 (DEP domain containing 5, GATOR1 subcomplex subunit; plus strand). Cytogenetic location: 22q12.3.
Variant type: single nucleotide variant.
Coding change: c.4772G>A on transcript NM_001242896.3 (MANE Select); coding-DNA position 4772, G replaced by A.
Protein change: p.Trp1591Ter; replaces tryptophan 1591 with a stop codon.
Molecular consequence: nonsense. On other transcripts: non-coding transcript variant (5).
Genome position (GRCh38, 1-based): chr22:31,906,457, G>A. VCF-style: chr22-31906457-G-A. GRCh37 (hg19) VCF-style: chr22-32302443-G-A.
Other names: c.4745G>A, p.Trp1582Ter (NM_001136029.4); c.4472G>A, p.Trp1491Ter (NM_001242897.2); c.4706G>A, p.Trp1569Ter (NM_001363852.2, NM_001364320.2); c.4538G>A, p.Trp1513Ter (NM_001363854.2, NM_001364319.2); c.4772G>A, p.Trp1591Ter (NM_001364318.2); c.4688G>A, p.Trp1563Ter (NM_001369901.1, NM_001369902.1); c.4679G>A, p.Trp1560Ter (NM_001369903.1, NM_014662.6); short protein forms W1513*, W1560*, W1569*, W1563*, W1582*, W1491*, W1591*.
Identifiers: ClinVar variation 3730990 (VCV003730990.1).